The following is an entry in ClinVar:

ClinVar aggregate classification (germline): Pathogenic. Review status: criteria provided, multiple submitters, no conflicts (2 of 4 stars). 2 submissions from 2 submitters: Pathogenic (2). Last evaluated 2024-07-22.

Conditions:
Hereditary cancer-predisposing syndrome. Also called: Hereditary neoplastic syndrome; Neoplastic Syndromes, Hereditary; Hereditary Cancer Syndrome; Tumor predisposition. Identifiers: Orphanet 140162, MedGen C0027672, MeSH D009386, MONDO:0015356.
Hereditary breast ovarian cancer syndrome. Also called: BRCA1- and BRCA2-Associated Hereditary Breast and Ovarian Cancer; Hereditary breast and ovarian cancer syndrome; Hereditary breast and ovarian cancer syndrome (HBOC); Hereditary breast and/or ovarian cancer syndrome; Breast and ovarian cancer; Hereditary breast and ovarian cancer. Identifiers: Orphanet 145, MedGen C0677776, MeSH D061325, MONDO:0003582. Disease mechanism: loss of function.

Submissions (2):

Ambry Genetics
Classification: Pathogenic for Hereditary cancer-predisposing syndrome. Last evaluated: 2024-07-22. Review status: criteria provided, single submitter. Criteria: Ambry Variant Classification Scheme 2023. Collection method: clinical testing. Allele origin: germline.
Comment: The c.5617_5621delGTAAT pathogenic mutation, located in coding exon 10 of the BRCA2 gene, results from a deletion of 5 nucleotides at nucleotide positions 5617 to 5621, causing a translational frameshift with a predicted alternate stop codon (p.V1873*). This variant was reported in 1 of 321 individuals with features consistent with BRCA2-related hereditary breast and ovarian cancer syndrome (Paix&atilde;o D et al. Front Oncol, 2022 Aug;12:976959). This variant is considered to be rare based on population cohorts in the Genome Aggregation Database (gnomAD). In addition to the clinical data presented in the literature, this alteration is expected to result in loss of function by premature protein truncation or nonsense-mediated mRNA decay. As such, this alteration is interpreted as a disease-causing mutation.

Labcorp Genetics (formerly Invitae), Labcorp
Classification: Pathogenic for Hereditary breast ovarian cancer syndrome. Last evaluated: 2018-12-23. Review status: criteria provided, single submitter. Criteria: Invitae Variant Classification Sherloc (09022015). Collection method: clinical testing. Allele origin: germline.
Comment: For these reasons, this variant has been classified as Pathogenic. Loss-of-function variants in BRCA2 are known to be pathogenic (PMID: 20104584). This variant has not been reported in the literature in individuals with BRCA2-related conditions. This variant is not present in population databases (ExAC no frequency). This sequence change creates a premature translational stop signal (p.Val1873*) in the BRCA2 gene. It is expected to result in an absent or disrupted protein product.

Literature cited by the submitters: PubMed 36119527 (cited by Ambry Genetics); PubMed 20104584 (cited by Labcorp Genetics (formerly Invitae), Labcorp).

NM_000059.4(BRCA2):c.5617_5621del (p.Lys1872_Val1873insTer)

Gene: BRCA2 (BRCA2 DNA repair associated; plus strand). Cytogenetic location: 13q13.1.
Variant type: Deletion.
Coding change: c.5617_5621del on transcript NM_000059.4 (MANE Select); coding-DNA positions 5617 to 5621, 5 bases deleted (GTAAT; older notation c.5617_5621delGTAAT).
Protein change: p.Lys1872_Val1873insTer.
Molecular consequence: nonsense.
Genome position (GRCh38, 1-based): chr13:32,339,972-32,339,976, GTAAT deleted. VCF-style (leftmost placement, unchanged base first): chr13-32339971-AGTAAT-A. GRCh37 (hg19) VCF-style: chr13-32914108-AGTAAT-A.
Other names: c.5617_5621delGTAAT (NM_000059.3).
Identifiers: ClinVar variation 657460 (VCV000657460.8), dbSNP rs1593905968, ClinGen allele CA915948495.